The following is an entry in ClinVar:

ClinVar aggregate classification (germline): Uncertain significance (1 of 4 stars; one submission).

Submission:

Labcorp Genetics (formerly Invitae), Labcorp
Classification: Uncertain significance. Last evaluated: 2023-01-27. Review status: criteria provided, single submitter. Criteria: Invitae Variant Classification Sherloc (09022015). Collection method: clinical testing. Allele origin: germline.
Comment: In summary, the available evidence is currently insufficient to determine the role of this variant in disease. Therefore, it has been classified as a Variant of Uncertain Significance. Variants that disrupt the consensus splice site are a relatively common cause of aberrant splicing (PMID: 17576681, 9536098). Algorithms developed to predict the effect of sequence changes on RNA splicing suggest that this variant may disrupt the consensus splice site. This variant has been observed in individual(s) with clinical features of autosomal recessive deafness (Invitae). In at least one individual the data is consistent with being in trans (on the opposite chromosome) from a pathogenic variant. This variant is not present in population databases (gnomAD no frequency). This sequence change falls in intron 51 of the USH2A gene. It does not directly change the encoded amino acid sequence of the USH2A protein. It affects a nucleotide within the consensus splice site.

Literature cited by the submitters: PubMed 17576681; PubMed 9536098.

NM_206933.4(USH2A):c.10182+3A>T

Gene: USH2A (usherin; minus strand). Cytogenetic location: 1q41.
Variant type: single nucleotide variant.
Coding change: c.10182+3A>T on transcript NM_206933.4 (MANE Select); 3 bases into the intron after coding-DNA position 10182, A replaced by T.
Molecular consequence: intron variant.
Genome position (GRCh38, 1-based): chr1:215,790,056, T>A on the plus strand (A>T on the coding strand, the complement: USH2A is on the minus strand). VCF-style: chr1-215790056-T-A. GRCh37 (hg19) VCF-style: chr1-215963398-T-A.
Identifiers: ClinVar variation 2820989 (VCV002820989.3), dbSNP rs2464419094, ClinGen allele CA2739275692.
Genomic context (GRCh38, chr1:215,790,056, plus strand): 5'-TGAACAATGTATTTCTCTTTCCATTGTCAAATCAGCGCCTCCGAGAGCTTTTCTATCAAT[T>A]ACCTTCATCATCATTCCAGTTGAAATCTTGTCAGAGCAAACATATTTCAAAGGATTATAT-3'